The following is an entry in ClinVar:

ClinVar aggregate classification (germline): Pathogenic (1 of 4 stars; one submission).

Conditions:
Primary ciliary dyskinesia 23 (CILD23). Also called: CILIARY DYSKINESIA, PRIMARY, 23, WITH OR WITHOUT SITUS INVERSUS. Identifiers: Orphanet 244, MedGen C3809548, MONDO:0014193, OMIM 615451.

Submission:

Labcorp Genetics (formerly Invitae), Labcorp
Classification: Pathogenic for Primary ciliary dyskinesia 23. Last evaluated: 2023-03-24. Review status: criteria provided, single submitter. Criteria: Invitae Variant Classification Sherloc (09022015). Collection method: clinical testing. Allele origin: germline.
Comment: For these reasons, this variant has been classified as Pathogenic. This sequence change creates a premature translational stop signal (p.Ile517Asnfs*8) in the ARMC4 gene. It is expected to result in an absent or disrupted protein product. Loss-of-function variants in ARMC4 are known to be pathogenic (PMID: 23849778). This variant is present in population databases (rs768002030, gnomAD 0.0009%). This variant has not been reported in the literature in individuals affected with ARMC4-related conditions.

Literature cited by the submitters: PubMed 23849778.

NM_018076.5(ODAD2):c.1549dup (p.Ile517fs)

Gene: ODAD2 (outer dynein arm docking complex subunit 2; minus strand). Cytogenetic location: 10p12.1.
Variant type: Duplication.
Coding change: c.1549dup on transcript NM_018076.5 (MANE Select); coding-DNA position 1549, one base duplicated (A; older notation c.1549dupA).
Protein change: p.Ile517fs; shifts the reading frame from isoleucine 517.
Molecular consequence: frameshift variant.
Genome position (GRCh38, 1-based): chr10:27,944,416, T duplicated on the plus strand (A on the coding strand, the reverse complement: ODAD2 is on the minus strand); the first of 5 consecutive T bases (chr10:27,944,416-27,944,420); duplicating any one gives the same sequence. VCF-style (leftmost placement, unchanged base first): chr10-27944415-A-AT. GRCh37 (hg19) VCF-style: chr10-28233344-A-AT.
Other names: c.1549dup, p.Ile517fs (NM_001290020.2); c.124dup, p.Ile42fs (NM_001290021.2); c.625dup, p.Ile209fs (NM_001312689.2); short protein forms I517fs, I209fs, I42fs.
Identifiers: ClinVar variation 2995359 (VCV002995359.3), dbSNP rs768002030, ClinGen allele CA5453487.